The following is an entry in ClinVar:

NM_004612.4(TGFBR1):c.852G>A (p.Glu284=)

Gene: TGFBR1 (transforming growth factor beta receptor 1; plus strand). Cytogenetic location: 9q22.33.
Variant type: single nucleotide variant.
Coding change: c.852G>A on transcript NM_004612.4 (MANE Select); coding-DNA position 852, G replaced by A.
Protein change: p.Glu284=; no amino-acid change (glutamic acid 284 retained).
Molecular consequence: synonymous variant. On other transcripts: non-coding transcript variant (4), intron variant (2).
Genome position (GRCh38, 1-based): chr9:99,142,582, G>A. VCF-style: chr9-99142582-G-A. GRCh37 (hg19) VCF-style: chr9-101904864-G-A.
Other names: c.621G>A, p.Glu207= (NM_001130916.3, NM_001407435.1); c.864G>A, p.Glu288= (NM_001306210.2); c.657G>A, p.Glu219= (NM_001407418.1, NM_001407419.1, NM_001407420.1 and 1 more transcripts); c.645G>A, p.Glu215= (NM_001407423.1, NM_001407424.1, NM_001407425.1 and 8 more transcripts); c.606G>A, p.Glu202= (NM_001407436.1); c.144G>A, p.Glu48= (NM_001407437.1); c.375G>A, p.Glu125= (NM_001407438.1); c.818-2150G>A (NM_001407416.1); and 1 more.
Identifiers: ClinVar variation 2820371 (VCV002820371.3), dbSNP rs2490223237, ClinGen allele CA466434433.

ClinVar aggregate classification (germline): Uncertain significance (1 of 4 stars; one submission).

Conditions:
Familial thoracic aortic aneurysm and aortic dissection (TAAD). Also called: Thoracic aortic aneurysms and dissections. Identifiers: Orphanet 91387, MedGen C4707243, MONDO:0019625.

Allele frequency attached by ClinVar (database versions not stated): gnomAD exomes below 0.00001.
gnomAD v4.1: 1 of 1,614,084 alleles (0.000062%); highest among the groups gnomAD compares: South Asian, 0.0011%; no homozygotes.

Submission:

Labcorp Genetics (formerly Invitae), Labcorp
Classification: Uncertain significance for Familial thoracic aortic aneurysm and aortic dissection. Last evaluated: 2022-12-12. Review status: criteria provided, single submitter. Criteria: Invitae Variant Classification Sherloc (09022015). Collection method: clinical testing. Allele origin: germline.
Comment: This variant has not been reported in the literature in individuals affected with TGFBR1-related conditions. This variant is not present in population databases (gnomAD no frequency). This sequence change affects codon 284 of the TGFBR1 mRNA. It is a 'silent' change, meaning that it does not change the encoded amino acid sequence of the TGFBR1 protein. Algorithms developed to predict the effect of sequence changes on RNA splicing suggest that this variant may create or strengthen a splice site. In summary, the available evidence is currently insufficient to determine the role of this variant in disease. Therefore, it has been classified as a Variant of Uncertain Significance.